The following is an entry in ClinVar:

NM_013352.4(DSE):c.110A>T (p.Asn37Ile)

Gene: DSE (dermatan sulfate epimerase; plus strand). Cytogenetic location: 6q22.1.
Variant type: single nucleotide variant.
Coding change: c.110A>T on transcript NM_013352.4 (MANE Select); coding-DNA position 110, A replaced by T.
Protein change: p.Asn37Ile; replaces asparagine 37 with isoleucine.
Molecular consequence: missense variant. On other transcripts: 5 prime UTR variant (4), non-coding transcript variant (1).
Genome position (GRCh38, 1-based): chr6:116,399,360, A>T. VCF-style: chr6-116399360-A-T. GRCh37 (hg19) VCF-style: chr6-116720523-A-T.
Other names: p.Asn37Ile; c.110A>T, p.Asn37Ile (NM_001080976.3, NM_001322937.2, NM_001322938.2 and 3 more transcripts); c.167A>T, p.Asn56Ile (NM_001322939.2); c.-448A>T (NM_001322940.2, NM_001322941.2); c.-791A>T (NM_001374520.1); c.-478A>T (NM_001374521.1); short protein forms N37I, N56I.
Identifiers: ClinVar variation 1586828 (VCV001586828.10), dbSNP rs371802983, ClinGen allele CA3969462.

ClinVar aggregate classification (germline): Likely benign. Review status: criteria provided, multiple submitters, no conflicts (2 of 4 stars). 3 submissions from 3 submitters: Likely benign (3). Last evaluated 2025-12-02.

Conditions:
Ehlers-Danlos syndrome, musculocontractural type 2 (EDSMC2). Identifiers: Orphanet 2953, MedGen C3809845, MONDO:0014236, OMIM 615539.

Allele frequency attached by ClinVar (database versions not stated): 1000 Genomes Project 30x 0.00031; 1000 Genomes Project 0.00040.
gnomAD v4.1: 92 of 1,614,064 alleles (0.0057%); highest among the groups gnomAD compares: East Asian, 0.17%; no homozygotes.

Submissions (3):

Labcorp Genetics (formerly Invitae), Labcorp
Classification: Likely benign for Ehlers-Danlos syndrome, musculocontractural type 2. Last evaluated: 2025-12-02. Review status: criteria provided, single submitter. Criteria: Invitae Variant Classification Sherloc (09022015). Collection method: clinical testing. Allele origin: germline.

Mayo Clinic Laboratories, Mayo Clinic
Classification: Likely benign. Last evaluated: 2024-12-31. Review status: criteria provided, single submitter. Criteria: ACMG Guidelines, 2015. Collection method: clinical testing. Allele origin: germline. Observed: 2 variant alleles.
Comment: BS1, BP4_moderate

Breakthrough Genomics
Classification: Likely benign. Review status: criteria provided, single submitter. Criteria: ACMG Guidelines, 2015. Collection method: not provided. Allele origin: germline. Inheritance: Autosomal recessive inheritance. Affected: yes.